The following is an entry in ClinVar:

ClinVar aggregate classification (germline): Pathogenic. Review status: criteria provided, multiple submitters, no conflicts (2 of 4 stars). 2 submissions from 2 submitters: Pathogenic (2). Last evaluated 2025-08-25.

Conditions:
Autosomal recessive limb-girdle muscular dystrophy type 2A (LGMDR1). Also called: Calpainopathy; Muscular dystrophy, limb-girdle, type 2A, Amish; LEYDEN-MOEBIUS MUSCULAR DYSTROPHY; MUSCULAR DYSTROPHY, PELVOFEMORAL; Limb-girdle muscular dystrophy, type 2A. Identifiers: Orphanet 267, MedGen C1869123, MONDO:0009675, OMIM 253600. Disease mechanism: loss of function.
Muscular dystrophy, limb-girdle, autosomal dominant 4. Also called: Calpain-3-related limb-girdle muscular dystrophy D4; MUSCULAR DYSTROPHY, LIMB-GIRDLE, TYPE 1I. Identifiers: Orphanet 565909, MedGen C4748295, MONDO:0029133, OMIM 618129.

Submissions (2):

Labcorp Genetics (formerly Invitae), Labcorp
Classification: Pathogenic for Autosomal recessive limb-girdle muscular dystrophy type 2A. Last evaluated: 2025-08-25. Review status: criteria provided, single submitter. Criteria: Invitae Variant Classification Sherloc (09022015). Collection method: clinical testing. Allele origin: germline.
Comment: This sequence change creates a premature translational stop signal (p.Lys491Argfs*5) in the CAPN3 gene. It is expected to result in an absent or disrupted protein product. Loss-of-function variants in CAPN3 are known to be pathogenic (PMID: 10330340, 15689361). This variant is not present in population databases (gnomAD no frequency). This premature translational stop signal has been observed in individual(s) with autosomal recessive CAPN3-related conditions (PMID: 25135358, 32528171). ClinVar contains an entry for this variant (Variation ID: 2680381). For these reasons, this variant has been classified as Pathogenic.

Baylor Genetics
Classification: Pathogenic for Muscular dystrophy, limb-girdle, autosomal dominant 4. Last evaluated: 2024-02-04. Review status: criteria provided, single submitter. Criteria: ACMG Guidelines, 2015. Collection method: clinical testing. Allele origin: unknown.

Literature cited by the submitters: PubMed 10330340 (cited by Labcorp Genetics (formerly Invitae), Labcorp); PubMed 15689361 (cited by Labcorp Genetics (formerly Invitae), Labcorp); PubMed 25135358 (cited by Labcorp Genetics (formerly Invitae), Labcorp); PubMed 32528171 (cited by Labcorp Genetics (formerly Invitae), Labcorp).

NM_000070.3(CAPN3):c.1470del (p.Lys491fs)

Gene: CAPN3 (calpain 3; plus strand). Cytogenetic location: 15q15.1.
Variant type: Deletion.
Coding change: c.1470del on transcript NM_000070.3 (MANE Select); coding-DNA position 1470, one base deleted (G; older notation c.1470delG).
Protein change: p.Lys491fs; shifts the reading frame from lysine 491.
Molecular consequence: frameshift variant.
Genome position (GRCh38, 1-based): chr15:42,401,756, G deleted; the last of 2 consecutive G bases (chr15:42,401,755-42,401,756); deleting either gives the same sequence. VCF-style (leftmost placement, unchanged base first): chr15-42401754-CG-C. GRCh37 (hg19) VCF-style: chr15-42693952-CG-C.
Other names: c.1470del, p.Lys491fs (NM_024344.2); c.1326del, p.Lys443fs (NM_173087.2); c.1209delG, p.Lys404Argfs (NM_212464.2); c.*1163delG (NM_212467.2); short protein forms K443fs, K491fs.
Identifiers: ClinVar variation 2680381 (VCV002680381.5), dbSNP rs2053877613, ClinGen allele CA2172719082.